The following is an entry in ClinVar:

NM_005996.4(TBX3):c.1137_1148del (p.Ser380_Pro383del)

Gene: TBX3 (T-box transcription factor 3; minus strand). Cytogenetic location: 12q24.21.
Variant type: Deletion.
Coding change: c.1137_1148del on transcript NM_005996.4 (MANE Select); coding-DNA positions 1137 to 1148, 12 bases deleted (GTCGGAGGAGCC).
Protein change: p.Ser380_Pro383del.
Molecular consequence: inframe deletion.
Genome position (GRCh38, 1-based): chr12:114,674,727-114,674,738, GGCTCCTCCGAC deleted on the plus strand (GTCGGAGGAGCC on the coding strand, the reverse complement: TBX3 is on the minus strand); deleting any 12 consecutive bases within chr12:114,674,727-114,674,739 gives the same sequence; the c. name uses the placement nearest the transcript's 3' end. VCF-style (leftmost placement, unchanged base first): chr12-114674726-GGGCTCCTCCGAC-G. GRCh37 (hg19) VCF-style: chr12-115112531-GGGCTCCTCCGAC-G.
Other names: c.1197_1208del, p.Ser400_Pro403del (NM_016569.4).
Identifiers: ClinVar variation 4988532 (VCV004988532.1).
Genomic context (GRCh38, chr12:114,674,726, plus strand): 5'-CCGGGGCCGCTCAGCAGCGAAAAGGTGAGCCTTGACCGCGGGGCTGCCCTTGTCACGGCA[GGGCTCCTCCGAC>G]GTGGTGGTGGAGATCTTGGCCGCGTCGCAGGCCTCGGGGCCATGCTCCTCTTTGCTCTCG-3'

ClinVar aggregate classification (germline): Uncertain significance (1 of 4 stars; one submission).

Conditions:
TBX3-related disorder. Also called: TBX3-related condition.

Submission:

PreventionGenetics, part of Exact Sciences
Classification: Uncertain significance for TBX3-related condition. Last evaluated: 2024-10-07. Review status: criteria provided, single submitter. Criteria: ACMG Guidelines, 2015. Collection method: clinical testing. Allele origin: germline.
Comment: The TBX3 c.1197_1208del12 variant is predicted to result in an in-frame deletion (p.Ser400_Pro403del). To our knowledge, this variant has not been reported in the literature or in a large population database (gnomAD), indicating this variant is rare. At this time, the clinical significance of this variant is uncertain due to the absence of conclusive functional and genetic evidence.